The following is an entry in ClinVar:

NM_206933.4(USH2A):c.1126G>T (p.Glu376Ter)

Gene: USH2A (usherin; minus strand). Cytogenetic location: 1q41.
Variant type: single nucleotide variant.
Coding change: c.1126G>T on transcript NM_206933.4 (MANE Select); coding-DNA position 1126, G replaced by T.
Protein change: p.Glu376Ter; replaces glutamic acid 376 with a stop codon.
Molecular consequence: nonsense.
Genome position (GRCh38, 1-based): chr1:216,325,322, C>A on the plus strand (G>T on the coding strand, the complement: USH2A is on the minus strand). VCF-style: chr1-216325322-C-A. GRCh37 (hg19) VCF-style: chr1-216498664-C-A.
Other names: c.1126G>T, p.Glu376Ter (NM_007123.6); short protein forms E376*.
Identifiers: ClinVar variation 1457054 (VCV001457054.6), dbSNP rs2102655719, ClinGen allele CA344912198.

ClinVar aggregate classification (germline): Pathogenic (1 of 4 stars; one submission).

Submission:

Labcorp Genetics (formerly Invitae), Labcorp
Classification: Pathogenic. Last evaluated: 2022-11-28. Review status: criteria provided, single submitter. Criteria: Invitae Variant Classification Sherloc (09022015). Collection method: clinical testing. Allele origin: germline.
Comment: This sequence change creates a premature translational stop signal (p.Glu376*) in the USH2A gene. It is expected to result in an absent or disrupted protein product. Loss-of-function variants in USH2A are known to be pathogenic (PMID: 10729113, 10909849, 20507924, 25649381). This variant is not present in population databases (gnomAD no frequency). This variant has not been reported in the literature in individuals affected with USH2A-related conditions. ClinVar contains an entry for this variant (Variation ID: 1457054). Algorithms developed to predict the effect of sequence changes on RNA splicing suggest that this variant may disrupt the consensus splice site. For these reasons, this variant has been classified as Pathogenic.

Literature cited by the submitters: PubMed 10729113; PubMed 10909849; PubMed 20507924; PubMed 25649381.